The following is an entry in ClinVar:

NM_005546.4(ITK):c.580C>T (p.Arg194Cys)

Gene: ITK (IL2 inducible T cell kinase; plus strand). Cytogenetic location: 5q33.3.
Variant type: single nucleotide variant.
Coding change: c.580C>T on transcript NM_005546.4 (MANE Select); coding-DNA position 580, C replaced by T.
Protein change: p.Arg194Cys; replaces arginine 194 with cysteine.
Molecular consequence: missense variant.
Genome position (GRCh38, 1-based): chr5:157,222,947, C>T. VCF-style: chr5-157222947-C-T. GRCh37 (hg19) VCF-style: chr5-156649957-C-T.
Other names: short protein forms R194C.
Identifiers: ClinVar variation 1364548 (VCV001364548.5), dbSNP rs146738280, ClinGen allele CA3532812.

ClinVar aggregate classification (germline): Uncertain significance (1 of 4 stars; one submission).

Conditions:
Lymphoproliferative syndrome 1 (LPFS1). Identifiers: Orphanet 238505, Orphanet 538963, MedGen C3552634, MONDO:0013081, OMIM 613011.

Allele frequency attached by ClinVar (database versions not stated): gnomAD exomes below 0.00001 and 0.00001; gnomAD 0.00001; ExAC 0.00002; TOPMed 0.00002; ESP Exome Variant Server 0.00008; 1000 Genomes Project 0.00020; 1000 Genomes Project 30x 0.00047.
gnomAD v4.1: 20 of 1,614,064 alleles (0.0012%); highest among the groups gnomAD compares: South Asian, 0.0044%; no homozygotes.

Submission:

Labcorp Genetics (formerly Invitae), Labcorp
Classification: Uncertain significance for Lymphoproliferative syndrome 1. Last evaluated: 2025-11-24. Review status: criteria provided, single submitter. Criteria: Invitae Variant Classification Sherloc (09022015). Collection method: clinical testing. Allele origin: germline.
Comment: This sequence change replaces arginine, which is basic and polar, with cysteine, which is neutral and slightly polar, at codon 194 of the ITK protein (p.Arg194Cys). This variant is present in population databases (rs146738280, gnomAD 0.003%). This variant has not been reported in the literature in individuals affected with ITK-related conditions. ClinVar contains an entry for this variant (Variation ID: 1364548). An algorithm developed to predict the effect of missense changes on protein structure and function outputs the following: PolyPhen-2: "Benign". The cysteine amino acid residue is found in multiple mammalian species, which suggests that this missense change does not adversely affect protein function. In summary, the available evidence is currently insufficient to determine the role of this variant in disease. Therefore, it has been classified as a Variant of Uncertain Significance.